The following is an entry in ClinVar:

NM_000256.3(MYBPC3):c.3798C>G (p.Cys1266Trp)

Gene: MYBPC3 (myosin binding protein C3; minus strand). Cytogenetic location: 11p11.2.
Variant type: single nucleotide variant.
Coding change: c.3798C>G on transcript NM_000256.3 (MANE Select); coding-DNA position 3798, C replaced by G.
Protein change: p.Cys1266Trp; replaces cysteine 1266 with tryptophan.
Molecular consequence: missense variant.
Genome position (GRCh38, 1-based): chr11:47,332,088, G>C on the plus strand (C>G on the coding strand, the complement: MYBPC3 is on the minus strand). VCF-style: chr11-47332088-G-C. GRCh37 (hg19) VCF-style: chr11-47353639-G-C.
Other names: short protein forms C1266W.
Identifiers: ClinVar variation 935498 (VCV000935498.11), dbSNP rs1312046345, ClinGen allele CA380310448.
Genomic context (GRCh38, chr11:47,332,088, plus strand): 5'-CCGCTCTTCCCATCTCCCAGGCCCTGGCCCCGAGGGCTCCTCACCTCGCACCTCCAGGCG[G>C]CACTCACACCGTGCCTCGCCCTGTAAGTTGGTGGCCCTGCAGACATAGATGCCCCCGTCA-3'
Protein context (NP_000247.2, residues 1256-1274): TNLQGEARCE[Cys1266Trp]RLEVRVPQ

ClinVar aggregate classification (germline): Uncertain significance. Review status: criteria provided, multiple submitters, no conflicts (2 of 4 stars). 2 submissions from 2 submitters: Uncertain significance (2). Last evaluated 2025-07-21.

Conditions:
Cardiovascular phenotype. Identifiers: MedGen CN230736.
Hypertrophic cardiomyopathy. Also called: HYPERTROPHIC MYOCARDIOPATHY. Identifiers: Orphanet 217569, MedGen C0007194, MeSH D002312, MONDO:0005045, HP:0001639.

Submissions (2):

Labcorp Genetics (formerly Invitae), Labcorp
Classification: Uncertain significance for Hypertrophic cardiomyopathy. Last evaluated: 2025-07-21. Review status: criteria provided, single submitter. Criteria: Invitae Variant Classification Sherloc (09022015). Collection method: clinical testing. Allele origin: germline.
Comment: This sequence change replaces cysteine, which is neutral and slightly polar, with tryptophan, which is neutral and slightly polar, at codon 1266 of the MYBPC3 protein (p.Cys1266Trp). This variant is not present in population databases (gnomAD no frequency). This missense change has been observed in individual(s) with hypertrophic cardiomyopathy (PMID: 25351510, 27532257; internal data). ClinVar contains an entry for this variant (Variation ID: 935498). An algorithm developed to predict the effect of missense changes on protein structure and function (PolyPhen-2) suggests that this variant is likely to be disruptive. This variant disrupts the p.Cys1266 amino acid residue in MYBPC3. Other variant(s) that disrupt this residue have been observed in individuals with MYBPC3-related conditions (PMID: 33782553), which suggests that this may be a clinically significant amino acid residue. In summary, the available evidence is currently insufficient to determine the role of this variant in disease. Therefore, it has been classified as a Variant of Uncertain Significance.

Ambry Genetics
Classification: Uncertain significance for Cardiovascular phenotype. Last evaluated: 2023-06-22. Review status: criteria provided, single submitter. Criteria: Ambry Variant Classification Scheme 2023. Collection method: clinical testing. Allele origin: germline.
Comment: The p.C1266W variant (also known as c.3798C>G), located in coding exon 33 of the MYBPC3 gene, results from a C to G substitution at nucleotide position 3798. The cysteine at codon 1266 is replaced by tryptophan, an amino acid with highly dissimilar properties. This alteration has been reported in a hypertrophic cardiomyopathy (HCM) cohorts; however, clinical details were limited (Lopes LR et al. Heart, 2015 Feb;101:294-301; Walsh R et al. Genet. Med., 2017 02;19:192-203). Other alterations involving the same amino acid, including p.C1266R (c.3796T>C) and p.C1266Y (c.3797G>A), have also been reported in HCM cohorts with limited clinical details (Maron BJ et al. Heart Rhythm. 2012 Jan;9:57-63; Page SP et al. Circ Cardiovasc Genet, 2012 Apr;5:156-66). This amino acid position is highly conserved in available vertebrate species. In addition, this alteration is predicted to be deleterious by in silico analysis. Since supporting evidence is limited at this time, the clinical significance of this alteration remains unclear.

Literature cited by the submitters: PubMed 25351510 (cited by Labcorp Genetics (formerly Invitae), Labcorp and Ambry Genetics); PubMed 27532257 (cited by Labcorp Genetics (formerly Invitae), Labcorp and Ambry Genetics); PubMed 33782553 (cited by Labcorp Genetics (formerly Invitae), Labcorp).